The following is an entry in ClinVar:

ClinVar aggregate classification (germline): Uncertain significance (1 of 4 stars; one submission).

Conditions:
Dyskeratosis congenita, autosomal dominant 6 (DKCA6). Identifiers: Orphanet 3322, MedGen C4225284, MONDO:0014690, OMIM 616553.

gnomAD v4.1: 1 of 1,591,276 alleles (0.000063%); highest among the groups gnomAD compares: African/African-American, 0.0013%; no homozygotes.

Submission:

Labcorp Genetics (formerly Invitae), Labcorp
Classification: Uncertain significance for Dyskeratosis congenita, autosomal dominant 6. Last evaluated: 2025-04-27. Review status: criteria provided, single submitter. Criteria: Invitae Variant Classification Sherloc (09022015). Collection method: clinical testing. Allele origin: germline.
Comment: This sequence change affects a donor splice site in intron 2 of the ACD gene. It is expected to disrupt RNA splicing. Variants that disrupt the donor or acceptor splice site typically lead to a loss of protein function (PMID: 16199547), however the current clinical and genetic evidence is not sufficient to establish whether loss-of-function variants in ACD cause disease. This variant is not present in population databases (gnomAD no frequency). This variant has not been reported in the literature in individuals affected with ACD-related conditions. Algorithms developed to predict the effect of sequence changes on RNA splicing suggest that this variant may disrupt the consensus splice site. In summary, the available evidence is currently insufficient to determine the role of this variant in disease. Therefore, it has been classified as a Variant of Uncertain Significance.

Literature cited by the submitters: PubMed 16199547.

NM_001082486.2(ACD):c.242+1G>C

Gene: ACD (ACD shelterin complex subunit and telomerase recruitment factor; minus strand). Cytogenetic location: 16q22.1.
Variant type: single nucleotide variant.
Coding change: c.242+1G>C on transcript NM_001082486.2 (MANE Select); the canonical splice donor site of the intron after coding-DNA position 242, G replaced by C.
Molecular consequence: splice donor variant.
Genome position (GRCh38, 1-based): chr16:67,659,902, C>G on the plus strand (G>C on the coding strand, the complement: ACD is on the minus strand). VCF-style: chr16-67659902-C-G. GRCh37 (hg19) VCF-style: chr16-67693805-C-G.
Other names: c.233+1G>C (NM_022914.3); c.242+1G>C (NM_001410884.1).
Identifiers: ClinVar variation 4754254 (VCV004754254.1).